The following is an entry in ClinVar:

NM_001376.5(DYNC1H1):c.1103G>A (p.Arg368Gln)

Gene: DYNC1H1 (dynein cytoplasmic 1 heavy chain 1; plus strand). Cytogenetic location: 14q32.31.
Variant type: single nucleotide variant.
Coding change: c.1103G>A on transcript NM_001376.5 (MANE Select); coding-DNA position 1103, G replaced by A.
Protein change: p.Arg368Gln; replaces arginine 368 with glutamine.
Molecular consequence: missense variant.
Genome position (GRCh38, 1-based): chr14:101,983,160, G>A. VCF-style: chr14-101983160-G-A. GRCh37 (hg19) VCF-style: chr14-102449497-G-A.
Other names: short protein forms R368Q.
Identifiers: ClinVar variation 1216714 (VCV001216714.18), dbSNP rs2141272334, ClinGen allele CA391013160.

ClinVar aggregate classification (germline): Conflicting classifications of pathogenicity. Review status: criteria provided, conflicting classifications (1 of 4 stars). 6 submissions from 6 submitters: Pathogenic (3); Likely pathogenic (2); Uncertain significance (1). Last evaluated 2026-08-17.

Conditions:
Cortical dysplasia, complex, with other brain malformations 13. Also called: Intellectual disability, autosomal dominant 13. Identifiers: MedGen C3281202, MONDO:0013805, OMIM 614563.
Inborn genetic diseases. Identifiers: MedGen C0950123, MeSH D030342.
DYNC1H1-Related Neurodevelopmental Disorder (DYNC1H1-NDD). Identifiers: MedGen CN381414.
Charcot-Marie-Tooth disease axonal type 2O. Also called: CHARCOT-MARIE-TOOTH NEUROPATHY, AXONAL, TYPE 2O; CHARCOT-MARIE-TOOTH DISEASE, AXONAL, AUTOSOMAL DOMINANT, TYPE 2O; Charcot-Marie-Tooth Neuropathy Type 2O; Charcot-Marie-Tooth disease, axonal, type 20. Identifiers: Orphanet 284232, MedGen C3280220, MONDO:0013644, OMIM 614228.

Submissions (6):

Clinical Genetics Laboratory, Skane University Hospital Lund
Classification: Likely pathogenic for DYNC1H1-Related Neurodevelopmental Disorder (DYNC1H1-NDD). Last evaluated: 2026-08-17. Review status: criteria provided, single submitter. Criteria: ACMG Guidelines, 2015. Collection method: clinical testing. Allele origin: de novo. Inheritance: Autosomal dominant inheritance. Affected: yes.
Comment: ACMG criteria used: PS2, PS4_Supporting, PM2, PM5_Supporting, PP2.

Labcorp Genetics (formerly Invitae), Labcorp
Classification: Pathogenic for Charcot-Marie-Tooth disease axonal type 2O. Last evaluated: 2025-12-01. Review status: criteria provided, single submitter. Criteria: Invitae Variant Classification Sherloc (09022015). Collection method: clinical testing. Allele origin: germline.
Comment: This sequence change replaces arginine, which is basic and polar, with glutamine, which is neutral and polar, at codon 368 of the DYNC1H1 protein (p.Arg368Gln). This variant is not present in population databases (gnomAD no frequency). This missense change has been observed in individuals with DYNC1H1-related conditions (external communication, internal data). ClinVar contains an entry for this variant (Variation ID: 1216714). Invitae Evidence Modeling of protein sequence and biophysical properties (such as structural, functional, and spatial information, amino acid conservation, physicochemical variation, residue mobility, and thermodynamic stability) indicates that this missense variant is expected to disrupt DYNC1H1 protein function with a positive predictive value of 95%. This variant disrupts the p.Arg368 amino acid residue in DYNC1H1. Other variant(s) that disrupt this residue have been determined to be pathogenic (PMID: 36403551, 37903666). This suggests that this residue is clinically significant, and that variants that disrupt this residue are likely to be disease-causing. For these reasons, this variant has been classified as Pathogenic.

Ambry Genetics
Classification: Pathogenic for Inborn genetic diseases. Last evaluated: 2025-11-25. Review status: criteria provided, single submitter. Criteria: Ambry Variant Classification Scheme 2023. Collection method: clinical testing. Allele origin: germline.
Comment: The c.1103G>A (p.R368Q) alteration is located in exon 6 (coding exon 6) of the DYNC1H1 gene. This alteration results from a G to A substitution at nucleotide position 1103, causing the arginine (R) at amino acid position 368 to be replaced by a glutamine (Q). This variant was not reported in population-based cohorts in the Genome Aggregation Database (gnomAD). This variant was reported in individual(s) with features consistent with DYNC1H1-related neurologic disorders; in at least one individual, it was determined to be de novo (external communication). This amino acid position is highly conserved in available vertebrate species. This missense alteration is located in a region that has a low rate of benign missense variation (Lek, 2016; Firth, 2009). The in silico prediction for this alteration is inconclusive. Based on the available evidence, this alteration is classified as pathogenic.

Illumina Laboratory Services, Illumina
Classification: Uncertain significance for Cortical dysplasia, complex, with other brain malformations 13. Last evaluated: 2024-04-17. Review status: criteria provided, single submitter. Criteria: ISL SNV Classification Criteria 03 February 2026. Collection method: clinical testing. Allele origin: unknown.
Comment: The DYNC1H1 c.1103G>A p.(Arg368Gln) missense variant has not, to our knowledge, been reported in the peer-reviewed literature. However, a different amino acid substitution at the same codon, p.Arg368Pro, resulting in a variant of uncertain significance has been reported in a de novo state in an individual with developmental and epileptic encephalopathy (PMID: 37903666). This variant has not been observed in version 2.1.1 or version 4.0.0 of the Genome Aggregation Database. Based on the available evidence, the c.1103G>A p.(Arg368Gln) variant is classified as a variant of uncertain significance for DYNC1H1-related neurodevelopmental disorder.

3billion
Classification: Likely pathogenic for Cortical dysplasia, complex, with other brain malformations 13. Last evaluated: 2024-01-11. Review status: criteria provided, single submitter. Criteria: ACMG Guidelines, 2015. Collection method: clinical testing. Allele origin: germline. Affected: yes.
Comment: The variant is not observed in the gnomAD v2.1.1 dataset. Predicted Consequence/Location: Missense changes are a common disease-causing mechanism. In silico tool predictions suggest damaging effect of the variant on gene or gene product [REVEL: 0.46 (>=0.6, sensitivity 0.68 and specificity 0.92); 3Cnet: 0.90 (>=0.6, sensitivity 0.72 and precision 0.9)]. Same nucleotide change resulting in same amino acid change has been previously reported to be associated with DYNC1H1 related disorder (ClinVar ID: VCV001216714). A different missense change at the same codon (p.Arg368Pro) has been reported to be associated with DYNC1H1 related disorder (PMID: 36403551). However the evidence of pathogenicity is insufficient at this time. Therefore, this variant is classified as Likely pathogenic according to the recommendation of ACMG/AMP guideline.

GeneDx
Classification: Pathogenic. Last evaluated: 2023-08-31. Review status: criteria provided, single submitter. Criteria: GeneDx Variant Classification Process June 2021. Collection method: clinical testing. Allele origin: germline. Affected: yes.
Comment: Not observed at significant frequency in large population cohorts (gnomAD); In silico analysis supports that this missense variant has a deleterious effect on protein structure/function; Has not been previously published as pathogenic or benign to our knowledge; This variant is associated with the following publications: (PMID: 25512093, 26100331, 25609763)

Literature cited by the submitters: PubMed 36403551 (cited by Labcorp Genetics (formerly Invitae), Labcorp and 3billion); PubMed 37903666 (cited by Labcorp Genetics (formerly Invitae), Labcorp and Illumina Laboratory Services, Illumina).